The following is an entry in ClinVar:

NM_004004.6(GJB2):c.326G>A (p.Gly109Glu)

Gene: GJB2 (gap junction protein beta 2; minus strand). Cytogenetic location: 13q12.11.
Variant type: single nucleotide variant.
Coding change: c.326G>A on transcript NM_004004.6 (MANE Select); coding-DNA position 326, G replaced by A.
Protein change: p.Gly109Glu; replaces glycine 109 with glutamic acid.
Molecular consequence: missense variant.
Genome position (GRCh38, 1-based): chr13:20,189,256, C>T on the plus strand (G>A on the coding strand, the complement: GJB2 is on the minus strand). VCF-style: chr13-20189256-C-T. GRCh37 (hg19) VCF-style: chr13-20763395-C-T.
Other names: short protein forms G109E.
Identifiers: ClinVar variation 1064972 (VCV001064972.9), dbSNP rs374572413, ClinGen allele CA6904281.

ClinVar aggregate classification (germline): Uncertain significance. Review status: criteria provided, multiple submitters, no conflicts (2 of 4 stars). 4 submissions from 4 submitters: Uncertain significance (4). Last evaluated 2026-05-12.

Conditions:
Autosomal dominant keratitis-ichthyosis-hearing loss syndrome. Also called: HID SYNDROME; Senter syndrome; KID SYNDROME, AUTOSOMAL DOMINANT. Identifiers: Orphanet 477, MedGen C0265336, MONDO:0007850, OMIM 148210.
Palmoplantar keratoderma-deafness syndrome. Also called: Keratoderma palmoplantar, with deafness; Palmoplantar keratoderma and sensorineural deafness; Hereditary palmoplantar keratoderma with deafness (subtype); Focal palmoplantar keratoderma with sensorineural deafness (subtype); Diffuse palmoplantar keratoderma with deafness (subtype). Identifiers: Orphanet 2202, MedGen C1835672, MONDO:0007852, OMIM 148350.
Autosomal recessive nonsyndromic hearing loss 1A (DFNB1A). Also called: Nonsyndromic Hearing Loss and Deafness, DFNB1; GJB6-Related DFNB 1 Nonsyndromic Hearing Loss and Deafness; Deafness, autosomal recessive 1A; Connexin 26 deafness; Deafness nonsyndromic, Connexin 26 linked; GJB2-Related Autosomal Recessive Nonsyndromic Hearing Loss. Identifiers: Orphanet 90636, MedGen C2673759, MONDO:0009076, OMIM 220290.
Knuckle pads, deafness AND leukonychia syndrome. Also called: Bart-Pumphrey syndrome. Identifiers: Orphanet 2698, MedGen C0266004, MONDO:0007866, OMIM 149200.
Ichthyosis, hystrix-like, with hearing loss. Also called: Hystrix-like ichthyosis with deafness. Identifiers: Orphanet 477, MedGen C1865234, MONDO:0011245.
X-linked mixed hearing loss with perilymphatic gusher. Also called: NANCE DEAFNESS; PERILYMPHATIC GUSHER-DEAFNESS SYNDROME; SENSORINEURAL DEAFNESS, PROFOUND, WITH OR WITHOUT A CONDUCTIVE COMPONENT, ASSOCIATED WITH A UNIQUE DEVELOPMENTAL ABNORMALITY OF THE EAR; Deafness, X-linked 2; Gusher syndrome. Identifiers: Orphanet 383, MedGen C1844678, MONDO:0010576, OMIM 304400.
Mutilating keratoderma (VOWNKL). Also called: Keratoderma hereditarium mutilans. Identifiers: Orphanet 494, MedGen C0265964, MONDO:0007422, OMIM 124500.
Autosomal dominant nonsyndromic hearing loss 3A. Identifiers: Orphanet 90635, MedGen C2675750, MONDO:0011103, OMIM 601544.
Hearing impairment. Also called: Impaired Hearing. Identifiers: MedGen C1384666, MONDO:0005365, HP:0000365.

Allele frequency attached by ClinVar (database versions not stated): gnomAD exomes 0.00004 and 0.00002; ESP Exome Variant Server 0.00008; ExAC 0.00002; TOPMed 0.00003; gnomAD 0.00005.

Submissions (4):

Women's Health and Genetics/Laboratory Corporation of America, LabCorp
Classification: Uncertain significance. Last evaluated: 2026-05-12. Review status: criteria provided, single submitter. Criteria: LabCorp Variant Classification Summary - May 2015. Collection method: clinical testing. Allele origin: germline.
Comment: Variant summary: GJB2 c.326G>A (p.Gly109Glu) results in a non-conservative amino acid change in the encoded protein sequence. Algorithms developed to predict the effect of missense changes on protein structure and function all suggest that this variant is likely to be disruptive. The variant allele was found at a frequency of 2.4e-05 in 1612982 control chromosomes, predominantly at a frequency of 0.001 within the ASJ subpopulation in the gnomAD database. The available data on variant occurrences in the general population are insufficient to allow any conclusion about variant significance. c.326G>A has been reported in trans with a benign variant in the literature in at least one individual within a cohort of deaf probands who was been subsequently cited by others (example, Bazazzadegan_2012, Koohiyan_2019). These report(s) do not provide unequivocal conclusions about association of the variant with GJB2-related conditions. To our knowledge, no experimental evidence demonstrating an impact on protein function has been reported. The following publications have been ascertained in the context of this evaluation (PMID: 22695344, 31569309). ClinVar contains an entry for this variant (Variation ID: 1064972). Based on the evidence outlined above, the variant was classified as uncertain significance.

GeneDx
Classification: Uncertain significance. Last evaluated: 2023-09-01. Review status: criteria provided, single submitter. Criteria: GeneDx Variant Classification Process June 2021. Collection method: clinical testing. Allele origin: germline. Affected: yes.
Comment: Observed in a patient with hearing loss in published literature (Bazazzadegan et al., 2012); however, additional patient level information was not provided; In silico analysis supports that this missense variant does not alter protein structure/function; This variant is associated with the following publications: (PMID: 25388846, 31569309, 25087612, 22695344, 36048236)

Fulgent Genetics
Classification: Uncertain significance for Mutilating keratoderma; Autosomal dominant keratitis-ichthyosis-hearing loss syndrome; Palmoplantar keratoderma-deafness syndrome; Knuckle pads, deafness AND leukonychia syndrome; Autosomal recessive nonsyndromic hearing loss 1A; X-linked mixed hearing loss with perilymphatic gusher; Autosomal dominant nonsyndromic hearing loss 3A. Last evaluated: 2022-03-20. Review status: criteria provided, single submitter. Criteria: ACMG Guidelines, 2015. Collection method: clinical testing. Allele origin: unknown.

Department of Otolaryngology – Head & Neck Surgery, Cochlear Implant Center
Classification: Uncertain significance for Hearing impairment. Last evaluated: 2021-04-12. Review status: criteria provided, single submitter. Criteria: ClinGen HL ACMG Specifications v1. Collection method: clinical testing. Allele origin: germline. Affected: yes.
Comment: PM2_Moderate, PM5_Moderate, PP3_Supporting

Literature cited by the submitters: PubMed 22695344 (cited by Women's Health and Genetics/Laboratory Corporation of America, LabCorp); PubMed 31569309 (cited by Women's Health and Genetics/Laboratory Corporation of America, LabCorp).